The following is an entry in ClinVar:

NM_006172.4(NPPA):c.250A>C (p.Thr84Pro)

Genes: NPPA (natriuretic peptide A; minus strand), NPPA-AS1 (NPPA antisense RNA 1; plus strand), LOC114827827 (VISTA enhancer hs2123; plus strand). Cytogenetic location: 1p36.22.
Variant type: single nucleotide variant.
Coding change: c.250A>C on transcript NM_006172.4 (MANE Select); coding-DNA position 250, A replaced by C.
Protein change: p.Thr84Pro; replaces threonine 84 with proline.
Molecular consequence: missense variant.
Genome position (GRCh38, 1-based): chr1:11,847,313, T>G on the plus strand (A>C on the coding strand, the complement: NPPA is on the minus strand). VCF-style: chr1-11847313-T-G. GRCh37 (hg19) VCF-style: chr1-11907370-T-G.
Other names: short protein forms T84P.
Identifiers: ClinVar variation 1934741 (VCV001934741.6), dbSNP rs1645075811, ClinGen allele CA338450748.

ClinVar aggregate classification (germline): Uncertain significance. Review status: criteria provided, multiple submitters, no conflicts (2 of 4 stars). 2 submissions from 2 submitters: Uncertain significance (2). Last evaluated 2025-05-18.

Conditions:
Atrial fibrillation, familial, 6 (ATFB6). Identifiers: MedGen C2677294, MONDO:0012816, OMIM 612201.
Inborn genetic diseases. Identifiers: MedGen C0950123, MeSH D030342.

Allele frequency attached by ClinVar (database versions not stated): TOPMed 0.00002.

Submissions (2):

Labcorp Genetics (formerly Invitae), Labcorp
Classification: Uncertain significance for Atrial fibrillation, familial, 6. Last evaluated: 2025-05-18. Review status: criteria provided, single submitter. Criteria: Invitae Variant Classification Sherloc (09022015). Collection method: clinical testing. Allele origin: germline.
Comment: This sequence change replaces threonine, which is neutral and polar, with proline, which is neutral and non-polar, at codon 84 of the NPPA protein (p.Thr84Pro). This variant is not present in population databases (gnomAD no frequency). This variant has not been reported in the literature in individuals affected with NPPA-related conditions. ClinVar contains an entry for this variant (Variation ID: 1934741). An algorithm developed to predict the effect of missense changes on protein structure and function outputs the following: PolyPhen-2: "Benign". The proline amino acid residue is found in multiple mammalian species, which suggests that this missense change does not adversely affect protein function. In summary, the available evidence is currently insufficient to determine the role of this variant in disease. Therefore, it has been classified as a Variant of Uncertain Significance.

Ambry Genetics
Classification: Uncertain significance for Inborn genetic diseases. Last evaluated: 2025-02-28. Review status: criteria provided, single submitter. Criteria: Ambry Variant Classification Scheme 2023. Collection method: clinical testing. Allele origin: germline.